The following is an entry in ClinVar:

NM_000219.6(KCNE1):c.233T>G (p.Phe78Cys)

Gene: KCNE1 (potassium voltage-gated channel subfamily E regulatory subunit 1; minus strand). Cytogenetic location: 21q22.12.
Variant type: single nucleotide variant.
Coding change: c.233T>G on transcript NM_000219.6 (MANE Select); coding-DNA position 233, T replaced by G.
Protein change: p.Phe78Cys; replaces phenylalanine 78 with cysteine.
Molecular consequence: missense variant.
Genome position (GRCh38, 1-based): chr21:34,449,402, A>C on the plus strand (T>G on the coding strand, the complement: KCNE1 is on the minus strand). VCF-style: chr21-34449402-A-C. GRCh37 (hg19) VCF-style: chr21-35821700-A-C.
Other names: c.233T>G, p.Phe78Cys (NM_001127668.4, NM_001127669.4, NM_001127670.4 and 4 more transcripts); short protein forms F78C.
Identifiers: ClinVar variation 3374396 (VCV003374396.2).

Conditions:
Long QT syndrome 5 (LQT5). Identifiers: Orphanet 101016, Orphanet 768, MedGen C1867904, MONDO:0013372, OMIM 613695.

Submission:

Roden Lab, Vanderbilt University Medical Center
No classification provided (evidence only). Condition: Long QT syndrome 5. Review status: no classification provided. Collection method: in vitro. Allele origin: not applicable. Functional consequence: Effect on ion channel function.
ClinVar note: "not provided" was previously submitted as the classification for the variant. However, the classification appeared to be based only on an observation of functional data so it was converted to no classification on 2025-07-30.